The following is an entry in ClinVar:

NM_001040142.2(SCN2A):c.5805C>T (p.Asp1935=)

Gene: SCN2A (sodium voltage-gated channel alpha subunit 2; plus strand). Cytogenetic location: 2q24.3.
Variant type: single nucleotide variant.
Coding change: c.5805C>T on transcript NM_001040142.2 (MANE Select); coding-DNA position 5805, C replaced by T.
Protein change: p.Asp1935=; no amino-acid change (aspartic acid 1935 retained).
Molecular consequence: synonymous variant.
Genome position (GRCh38, 1-based): chr2:165,389,611, C>T. VCF-style: chr2-165389611-C-T. GRCh37 (hg19) VCF-style: chr2-166246121-C-T.
Other names: c.5805C>T, p.Asp1935= (NM_001040143.2, NM_001371246.1, NM_001371247.1 and 1 more transcripts).
Identifiers: ClinVar variation 1749806 (VCV001749806.32), dbSNP rs752078267, ClinGen allele CA1940429.
Genomic context (GRCh38, chr2:165,389,611, plus strand): 5'-TTACAGACGCTACCTCTTGAAGCAAAAAGTTAAAAAGGTATCAAGTATATACAAGAAAGA[C>T]AAAGGCAAAGAATGTGATGGAACACCCATCAAAGAAGATACTCTCATTGATAAACTGAAT-3'
Protein context (NP_001035232.1, residues 1925-1945): VKKVSSIYKK[Asp1935=]KGKECDGTPI

ClinVar aggregate classification (germline): Likely benign. Review status: criteria provided, multiple submitters, no conflicts (2 of 4 stars). 4 submissions from 4 submitters: Likely benign (4). Last evaluated 2024-11-01.

Conditions:
Developmental and epileptic encephalopathy, 11 (DEE11). Also called: Early infantile epileptic encephalopathy 11. Identifiers: Orphanet 1934, MedGen C3150987, MONDO:0013388, OMIM 613721.
Seizures, benign familial infantile, 3 (BFIS3). Also called: Familial neonatal seizures; CONVULSIONS, BENIGN FAMILIAL INFANTILE, 3. Identifiers: Orphanet 140927, Orphanet 306, MedGen C1843140, MONDO:0011904, OMIM 607745.
Inborn genetic diseases. Identifiers: MedGen C0950123, MeSH D030342.

Allele frequency attached by ClinVar (database versions not stated): gnomAD 0.00002; TOPMed 0.00003; gnomAD exomes 0.00004; ExAC 0.00015.
gnomAD v4.1: 61 of 1,613,758 alleles (0.0038%); highest among the groups gnomAD compares: Non-Finnish European, 0.004%; no homozygotes.

Submissions (4):

Blueprint Genetics
Classification: Likely benign. Last evaluated: 2024-11-01. Review status: criteria provided, single submitter. Criteria: ACMG Guidelines, 2015. Collection method: clinical testing. Allele origin: germline.

CeGaT Center for Human Genetics Tuebingen
Classification: Likely benign. Last evaluated: 2023-10-01. Review status: criteria provided, single submitter. Criteria: CeGaT Center For Human Genetics Tuebingen Variant Classification Criteria Version 2. Collection method: clinical testing. Allele origin: germline. Affected: yes. Observed: 1 variant allele.
Comment: SCN2A: BP4, BP7, BS1

Labcorp Genetics (formerly Invitae), Labcorp
Classification: Likely benign for Seizures, benign familial infantile, 3; Developmental and epileptic encephalopathy, 11. Last evaluated: 2022-09-21. Review status: criteria provided, single submitter. Criteria: Invitae Variant Classification Sherloc (09022015). Collection method: clinical testing. Allele origin: germline.

Ambry Genetics
Classification: Likely benign for Inborn genetic diseases. Last evaluated: 2017-11-03. Review status: criteria provided, single submitter. Criteria: Ambry Variant Classification Scheme 2023. Collection method: clinical testing. Allele origin: germline.